The following is an entry in ClinVar:

NM_000059.4(BRCA2):c.3940A>G (p.Lys1314Glu)

Gene: BRCA2 (BRCA2 DNA repair associated; plus strand). Cytogenetic location: 13q13.1.
Variant type: single nucleotide variant.
Coding change: c.3940A>G on transcript NM_000059.4 (MANE Select); coding-DNA position 3940, A replaced by G.
Protein change: p.Lys1314Glu; replaces lysine 1314 with glutamic acid.
Molecular consequence: missense variant. On other transcripts: non-coding transcript variant (1), intron variant (2).
Genome position (GRCh38, 1-based): chr13:32,338,295, A>G. VCF-style: chr13-32338295-A-G. GRCh37 (hg19) VCF-style: chr13-32912432-A-G.
Other names: c.3940A>G, p.Lys1314Glu (NM_001406719.1, NM_001406720.1, NM_001432077.1); c.1909+4908A>G (NM_001406721.1); c.425-6263A>G (NM_001406722.1); short protein forms K1314E.
Identifiers: ClinVar variation 4802299 (VCV004802299.1).

ClinVar aggregate classification (germline): Uncertain significance (1 of 4 stars; one submission).

Conditions:
Hereditary breast ovarian cancer syndrome. Also called: Hereditary breast and ovarian cancer syndrome (HBOC); Hereditary breast and ovarian cancer; Breast and ovarian cancer; Hereditary breast and/or ovarian cancer syndrome; BRCA1- and BRCA2-Associated Hereditary Breast and Ovarian Cancer; Hereditary breast and ovarian cancer syndrome. Identifiers: Orphanet 145, MedGen C0677776, MeSH D061325, MONDO:0003582. Disease mechanism: loss of function.

Submission:

Labcorp Genetics (formerly Invitae), Labcorp
Classification: Uncertain significance for Hereditary breast ovarian cancer syndrome. Last evaluated: 2025-04-02. Review status: criteria provided, single submitter. Criteria: Invitae Variant Classification Sherloc (09022015). Collection method: clinical testing. Allele origin: germline.
Comment: This sequence change replaces lysine, which is basic and polar, with glutamic acid, which is acidic and polar, at codon 1314 of the BRCA2 protein (p.Lys1314Glu). This variant is not present in population databases (gnomAD no frequency). This variant has not been reported in the literature in individuals affected with BRCA2-related conditions. Invitae Evidence Modeling of protein sequence and biophysical properties (such as structural, functional, and spatial information, amino acid conservation, physicochemical variation, residue mobility, and thermodynamic stability) indicates that this missense variant is not expected to disrupt BRCA2 protein function with a negative predictive value of 95%. In summary, the available evidence is currently insufficient to determine the role of this variant in disease. Therefore, it has been classified as a Variant of Uncertain Significance.